The following is an entry in ClinVar:

NM_004618.5(TOP3A):c.2314C>G (p.Leu772Val)

Gene: TOP3A (DNA topoisomerase III alpha; minus strand). Cytogenetic location: 17p11.2.
Variant type: single nucleotide variant.
Coding change: c.2314C>G on transcript NM_004618.5 (MANE Select); coding-DNA position 2314, C replaced by G.
Protein change: p.Leu772Val; replaces leucine 772 with valine.
Molecular consequence: missense variant.
Genome position (GRCh38, 1-based): chr17:18,278,188, G>C on the plus strand (C>G on the coding strand, the complement: TOP3A is on the minus strand). VCF-style: chr17-18278188-G-C. GRCh37 (hg19) VCF-style: chr17-18181502-G-C.
Other names: c.2029C>G, p.Leu677Val (NM_001320759.2); short protein forms L677V, L772V.
Identifiers: ClinVar variation 2053040 (VCV002053040.1), dbSNP rs372360037, ClinGen allele CA8429621.

ClinVar aggregate classification (germline): Uncertain significance (1 of 4 stars; one submission).

Allele frequency attached by ClinVar (database versions not stated): gnomAD 0.00002; TOPMed 0.00002; ExAC 0.00005; gnomAD exomes 0.00005; ESP Exome Variant Server 0.00008.

Submission:

Labcorp Genetics (formerly Invitae), Labcorp
Classification: Uncertain significance. Last evaluated: 2021-12-26. Review status: criteria provided, single submitter. Criteria: Invitae Variant Classification Sherloc (09022015). Collection method: clinical testing. Allele origin: germline.
Comment: This sequence change replaces leucine, which is neutral and non-polar, with valine, which is neutral and non-polar, at codon 772 of the TOP3A protein (p.Leu772Val). This variant is present in population databases (rs372360037, gnomAD 0.02%). This variant has not been reported in the literature in individuals affected with TOP3A-related conditions. Algorithms developed to predict the effect of missense changes on protein structure and function output the following: SIFT: "Not Available"; PolyPhen-2: "Benign"; Align-GVGD: "Not Available". The valine amino acid residue is found in multiple mammalian species, which suggests that this missense change does not adversely affect protein function. In summary, the available evidence is currently insufficient to determine the role of this variant in disease. Therefore, it has been classified as a Variant of Uncertain Significance.